The following is an entry in ClinVar:

ClinVar aggregate classification (germline): Uncertain significance. Review status: criteria provided, multiple submitters, no conflicts (2 of 4 stars). 2 submissions from 2 submitters: Uncertain significance (2). Last evaluated 2024-04-16.

Submissions (2):

GeneDx
Classification: Uncertain significance. Last evaluated: 2024-04-16. Review status: criteria provided, single submitter. Criteria: GeneDx Variant Classification Process June 2021. Collection method: clinical testing. Allele origin: germline. Affected: yes.
Comment: Not observed at significant frequency in large population cohorts (gnomAD); In-frame deletion of 1 amino acid in a non-repeat region; In silico analysis supports a deleterious effect on protein structure/function; Has not been previously published as pathogenic or benign to our knowledge

Labcorp Genetics (formerly Invitae), Labcorp
Classification: Uncertain significance. Last evaluated: 2024-04-13. Review status: criteria provided, single submitter. Criteria: Invitae Variant Classification Sherloc (09022015). Collection method: clinical testing. Allele origin: germline.
Comment: This variant, c.955_957del, results in the deletion of 1 amino acid(s) of the WFS1 protein (p.Ile319del), but otherwise preserves the integrity of the reading frame. This variant is not present in population databases (gnomAD no frequency). This variant has not been reported in the literature in individuals affected with WFS1-related conditions. Experimental studies and prediction algorithms are not available or were not evaluated, and the functional significance of this variant is currently unknown. In summary, the available evidence is currently insufficient to determine the role of this variant in disease. Therefore, it has been classified as a Variant of Uncertain Significance.

NM_006005.3(WFS1):c.952ATC[1] (p.Ile319del)

Gene: WFS1 (wolframin ER transmembrane glycoprotein; plus strand). Cytogenetic location: 4p16.1.
Variant type: Microsatellite.
Coding change: c.952ATC[1] on transcript NM_006005.3 (MANE Select); one copy of the 3-base unit ATC starting at c.952; the reference has two copies in a row; one copy, 3 bases deleted; also written c.955_957del.
Protein change: p.Ile319del; deletes isoleucine 319.
Molecular consequence: inframe deletion.
Genome position (GRCh38, 1-based): chr4:6,300,750-6,300,752, ATC deleted; deleting any 3 consecutive bases within chr4:6,300,746-6,300,752 gives the same sequence; the position shown is the placement nearest the transcript's 3' end. VCF-style (leftmost placement, unchanged base first): chr4-6300745-CCAT-C. GRCh37 (hg19) VCF-style: chr4-6302472-CCAT-C.
Other names: c.952ATC[1], p.Ile319del (NM_001145853.1); c.955_957del (NM_006005.3); short protein forms I319del.
Identifiers: ClinVar variation 1976615 (VCV001976615.6), dbSNP rs1259478955, ClinGen allele CA797206182.